The following is an entry in ClinVar:

NM_001126128.2(PROK2):c.363C>A (p.Asn121Lys)

Gene: PROK2 (prokineticin 2; minus strand). Cytogenetic location: 3p13.
Variant type: single nucleotide variant.
Coding change: c.363C>A on transcript NM_001126128.2 (MANE Select); coding-DNA position 363, C replaced by A.
Protein change: p.Asn121Lys; replaces asparagine 121 with lysine.
Molecular consequence: missense variant.
Genome position (GRCh38, 1-based): chr3:71,772,751, G>T on the plus strand (C>A on the coding strand, the complement: PROK2 is on the minus strand). VCF-style: chr3-71772751-G-T. GRCh37 (hg19) VCF-style: chr3-71821902-G-T.
Other names: c.300C>A, p.Asn100Lys (NM_021935.4); short protein forms N100K, N121K.
Identifiers: ClinVar variation 3354186 (VCV003354186.2).

ClinVar aggregate classification (germline): Uncertain significance (1 of 4 stars; one submission).

Conditions:
PROK2-related disorder. Also called: PROK2-related condition.

gnomAD v4.1: 8 of 1,614,038 alleles (0.0005%); highest among the groups gnomAD compares: Admixed American, 0.013%; no homozygotes.

Submission:

PreventionGenetics, part of Exact Sciences
Classification: Uncertain significance for PROK2-related condition. Last evaluated: 2025-10-24. Review status: criteria provided, single submitter. Criteria: ACMG Guidelines, 2015. Collection method: clinical testing. Allele origin: germline.
Comment: The PROK2 c.363C>A variant is predicted to result in the amino acid substitution p.Asn121Lys. To our knowledge, this variant has not been reported in the literature or in a large population database (gnomAD), indicating this variant is rare. At this time, the clinical significance of this variant is uncertain due to the absence of conclusive functional and genetic evidence.